The following is an entry in ClinVar:

NM_002941.4(ROBO1):c.630A>G (p.Pro210=)

Gene: ROBO1 (roundabout guidance receptor 1; minus strand). Cytogenetic location: 3p12.3.
Variant type: single nucleotide variant.
Coding change: c.630A>G on transcript NM_002941.4 (MANE Select); coding-DNA position 630, A replaced by G.
Protein change: p.Pro210=; no amino-acid change (proline 210 retained).
Molecular consequence: synonymous variant.
Genome position (GRCh38, 1-based): chr3:78,746,770, T>C on the plus strand (A>G on the coding strand, the complement: ROBO1 is on the minus strand). VCF-style: chr3-78746770-T-C. GRCh37 (hg19) VCF-style: chr3-78795920-T-C.
Other names: c.513A>G, p.Pro171= (NM_001145844.1, NM_001145845.2, NM_133631.4); c.630A>G (NM_002941.3).
Identifiers: ClinVar variation 2994894 (VCV002994894.4), dbSNP rs542186757, ClinGen allele CA2499213.
Genomic context (GRCh38, chr3:78,746,770, plus strand): 5'-CAAATGTCCTCTGCTGTTGAATTAAATACTCACAGTTATTCTTTCATCTTTATCATCCAG[T>C]GGAGAGCCATCTTTCTTCCATGAAATGGTGGGCTCAGGATGGCCTCGTGGAGGTTGGCAT-3'
Protein context (NP_002932.1, residues 200-220): PTISWKKDGS[Pro210=]LDDKDERITI

ClinVar aggregate classification (germline): Likely benign. Review status: criteria provided, multiple submitters, no conflicts (2 of 4 stars). 2 submissions from 2 submitters: Likely benign (2). Last evaluated 2024-11-14.

Conditions:
ROBO1-related disorder. Also called: ROBO1-related condition.

Allele frequency attached by ClinVar (database versions not stated): gnomAD 0.00002; ExAC 0.00003; gnomAD exomes 0.00003; 1000 Genomes Project 0.00020; 1000 Genomes Project 30x 0.00031.
gnomAD v4.1: 37 of 1,569,986 alleles (0.0024%); highest among the groups gnomAD compares: South Asian, 0.037%; no homozygotes.

Submissions (2):

PreventionGenetics, part of Exact Sciences
Classification: Likely benign for ROBO1-related condition. Last evaluated: 2024-11-14. Review status: criteria provided, single submitter. Criteria: ACMG Guidelines, 2015. Collection method: clinical testing. Allele origin: germline.
Comment: This variant is classified as likely benign based on ACMG/AMP sequence variant interpretation guidelines (Richards et al. 2015 PMID: 25741868, with internal and published modifications).

Labcorp Genetics (formerly Invitae), Labcorp
Classification: Likely benign. Last evaluated: 2023-04-06. Review status: criteria provided, single submitter. Criteria: Invitae Variant Classification Sherloc (09022015). Collection method: clinical testing. Allele origin: germline.